The following is an entry in ClinVar:

NM_001142800.2(EYS):c.5683G>T (p.Glu1895Ter)

Gene: EYS (EGF-like photoreceptor maintenance factor; minus strand). Cytogenetic location: 6q12.
Variant type: single nucleotide variant.
Coding change: c.5683G>T on transcript NM_001142800.2 (MANE Select); coding-DNA position 5683, G replaced by T.
Protein change: p.Glu1895Ter; replaces glutamic acid 1895 with a stop codon.
Molecular consequence: nonsense.
Genome position (GRCh38, 1-based): chr6:64,439,314, C>A on the plus strand (G>T on the coding strand, the complement: EYS is on the minus strand). VCF-style: chr6-64439314-C-A. GRCh37 (hg19) VCF-style: chr6-65149207-C-A.
Other names: c.5683G>T, p.Glu1895Ter (NM_001292009.2); short protein forms E1895*.
Identifiers: ClinVar variation 2851916 (VCV002851916.3), dbSNP rs1774857297, ClinGen allele CA364392843.
Genomic context (GRCh38, chr6:64,439,314, plus strand): 5'-TGAAGGTCTGAAATTCTAGGGAGATGTTATTTTGTGGATTTAAAGCCACATTCTGAAATT[C>A]TAGATAAGAATCTCCATAATAACGAACACAACTGAAATCTGTGGAGTCAGAAAGAAAATA-3'

ClinVar aggregate classification (germline): Pathogenic (1 of 4 stars; one submission).

Allele frequency attached by ClinVar (database versions not stated): gnomAD 0.00001.

Submission:

Labcorp Genetics (formerly Invitae), Labcorp
Classification: Pathogenic. Last evaluated: 2023-03-18. Review status: criteria provided, single submitter. Criteria: Invitae Variant Classification Sherloc (09022015). Collection method: clinical testing. Allele origin: germline.
Comment: This sequence change creates a premature translational stop signal (p.Glu1895*) in the EYS gene. It is expected to result in an absent or disrupted protein product. Loss-of-function variants in EYS are known to be pathogenic (PMID: 18836446, 20333770). For these reasons, this variant has been classified as Pathogenic. Algorithms developed to predict the effect of sequence changes on RNA splicing suggest that this variant may create or strengthen a splice site. This variant has not been reported in the literature in individuals affected with EYS-related conditions. This variant is not present in population databases (gnomAD no frequency).

Literature cited by the submitters: PubMed 18836446; PubMed 20333770.